The following is an entry in ClinVar:

ClinVar aggregate classification (germline): Pathogenic (1 of 4 stars; one submission).

Submission:

Labcorp Genetics (formerly Invitae), Labcorp
Classification: Pathogenic. Last evaluated: 2022-10-25. Review status: criteria provided, single submitter. Criteria: Invitae Variant Classification Sherloc (09022015). Collection method: clinical testing. Allele origin: germline.
Comment: This sequence change creates a premature translational stop signal (p.Glu682Valfs*11) in the AEBP1 gene. It is expected to result in an absent or disrupted protein product. Loss-of-function variants in AEBP1 are known to be pathogenic (PMID: 29606302). This variant is not present in population databases (gnomAD no frequency). This variant has not been reported in the literature in individuals affected with AEBP1-related conditions. For these reasons, this variant has been classified as Pathogenic.

Literature cited by the submitters: PubMed 29606302.

NM_001129.5(AEBP1):c.2045_2046del (p.Glu682fs)

Gene: AEBP1 (AE binding protein 1; plus strand). Cytogenetic location: 7p13.
Variant type: Microsatellite.
Coding change: c.2045_2046del on transcript NM_001129.5 (MANE Select); coding-DNA positions 2045 to 2046, 2 bases deleted (AG; older notation c.2045_2046delAG).
Protein change: p.Glu682fs; shifts the reading frame from glutamic acid 682.
Molecular consequence: frameshift variant.
Genome position (GRCh38, 1-based): chr7:44,112,149-44,112,150, AG deleted; deleting any 2 consecutive bases within chr7:44,112,147-44,112,150 gives the same sequence; the c. name uses the placement nearest the transcript's 3' end. VCF-style (leftmost placement, unchanged base first): chr7-44112146-CAG-C. GRCh37 (hg19) VCF-style: chr7-44151745-CAG-C.
Other names: short protein forms E682fs.
Identifiers: ClinVar variation 2036739 (VCV002036739.4), dbSNP rs2484356955, ClinGen allele CA2580615878.